The following is an entry in ClinVar:

ClinVar aggregate classification (germline): Likely benign. Review status: criteria provided, multiple submitters, no conflicts (2 of 4 stars). 2 submissions from 2 submitters: Likely benign (2). Last evaluated 2026-09-01.

Allele frequency attached by ClinVar (database versions not stated): gnomAD 0.00006; TOPMed 0.00007; 1000 Genomes Project 30x 0.00016; 1000 Genomes Project 0.00020; ESP Exome Variant Server 0.00023; ExAC 0.00004.
gnomAD v4.1: 80 of 1,613,906 alleles (0.005%); highest among the groups gnomAD compares: Non-Finnish European, 0.0065%; no homozygotes.

Submissions (2):

CeGaT Center for Human Genetics Tuebingen
Classification: Likely benign. Last evaluated: 2026-09-01. Review status: criteria provided, single submitter. Criteria: CeGaT Center For Human Genetics Tuebingen Variant Classification Criteria Version 2. Collection method: clinical testing. Allele origin: germline. Affected: yes. Observed: 1 variant allele.
Comment: SPTBN2: BP4, BP7

Labcorp Genetics (formerly Invitae), Labcorp
Classification: Likely benign. Last evaluated: 2022-06-23. Review status: criteria provided, single submitter. Criteria: Invitae Variant Classification Sherloc (09022015). Collection method: clinical testing. Allele origin: germline.

NM_006946.4(SPTBN2):c.5652C>T (p.Ala1884=)

Gene: SPTBN2 (spectrin beta, non-erythrocytic 2; minus strand). Cytogenetic location: 11q13.2.
Variant type: single nucleotide variant.
Coding change: c.5652C>T on transcript NM_006946.4 (MANE Select); coding-DNA position 5652, C replaced by T.
Protein change: p.Ala1884=; no amino-acid change (alanine 1884 retained).
Molecular consequence: synonymous variant.
Genome position (GRCh38, 1-based): chr11:66,690,197, G>A on the plus strand (C>T on the coding strand, the complement: SPTBN2 is on the minus strand). VCF-style: chr11-66690197-G-A. GRCh37 (hg19) VCF-style: chr11-66457668-G-A.
Other names: c.5673C>T, p.Ala1891= (NM_001411025.1).
Identifiers: ClinVar variation 2184760 (VCV002184760.5), dbSNP rs141493701, ClinGen allele CA6128191.